The following is an entry in ClinVar:

ClinVar aggregate classification (germline): Uncertain significance (1 of 4 stars; one submission).

Conditions:
Congenital muscular dystrophy due to integrin alpha-7 deficiency. Also called: MYOPATHY, CONGENITAL, DUE TO INTEGRIN ALPHA-7 DEFICIENCY; Congenital muscular dystrophy with integrin alpha-7 deficiency; Muscular dystrophy, congenital, due to ITGA7 deficiency. Identifiers: Orphanet 34520, MedGen C2750786, MONDO:0013177, OMIM 613204.

Allele frequency attached by ClinVar (database versions not stated): gnomAD exomes below 0.00001; TOPMed below 0.00001; ExAC 0.00001.

Submission:

Labcorp Genetics (formerly Invitae), Labcorp
Classification: Uncertain significance for Congenital muscular dystrophy due to integrin alpha-7 deficiency. Last evaluated: 2022-07-25. Review status: criteria provided, single submitter. Criteria: Invitae Variant Classification Sherloc (09022015). Collection method: clinical testing. Allele origin: germline.
Comment: In summary, the available evidence is currently insufficient to determine the role of this variant in disease. Therefore, it has been classified as a Variant of Uncertain Significance. This sequence change replaces leucine, which is neutral and non-polar, with phenylalanine, which is neutral and non-polar, at codon 764 of the ITGA7 protein (p.Leu764Phe). This variant is present in population databases (rs768591509, gnomAD 0.006%). This variant has not been reported in the literature in individuals affected with ITGA7-related conditions. ClinVar contains an entry for this variant (Variation ID: 660123). Algorithms developed to predict the effect of missense changes on protein structure and function (SIFT, PolyPhen-2, Align-GVGD) all suggest that this variant is likely to be tolerated.

NM_002206.3(ITGA7):c.2290C>T (p.Leu764Phe)

Genes: ITGA7 (integrin subunit alpha 7; minus strand), LOC126861535 (CDK7 strongly-dependent group 2 enhancer GRCh37_chr12:56087579-56088778; plus strand). Cytogenetic location: 12q13.2.
Variant type: single nucleotide variant.
Coding change: c.2290C>T on transcript NM_002206.3 (MANE Select); coding-DNA position 2290, C replaced by T.
Protein change: p.Leu764Phe; replaces leucine 764 with phenylalanine.
Molecular consequence: missense variant.
Genome position (GRCh38, 1-based): chr12:55,694,510, G>A on the plus strand (C>T on the coding strand, the complement: ITGA7 is on the minus strand). VCF-style: chr12-55694510-G-A. GRCh37 (hg19) VCF-style: chr12-56088294-G-A.
Other names: c.2302C>T, p.Leu768Phe (NM_001144996.2); c.2011C>T, p.Leu671Phe (NM_001144997.2); c.1963C>T, p.Leu655Phe (NM_001367993.1); c.946C>T, p.Leu316Phe (NM_001367994.1); c.2272C>T, p.Leu758Phe (NM_001374465.1); c.2422C>T, p.Leu808Phe (NM_001410977.1); c.2284C>T, p.Leu762Phe (NM_001414029.1); c.2215C>T, p.Leu739Phe (NM_001414030.1); and 5 more; short protein forms L655F, L768F, L316F, L671F, L764F, L758F, L808F, L739F.
Identifiers: ClinVar variation 660123 (VCV000660123.11), dbSNP rs768591509, ClinGen allele CA6615661.